The following is an entry in ClinVar:

NM_006736.6(DNAJB2):c.499G>A (p.Val167Ile)

Gene: DNAJB2 (DnaJ heat shock protein family (Hsp40) member B2; plus strand). Cytogenetic location: 2q35.
Variant type: single nucleotide variant.
Coding change: c.499G>A on transcript NM_006736.6 (MANE Select); coding-DNA position 499, G replaced by A.
Protein change: p.Val167Ile; replaces valine 167 with isoleucine.
Molecular consequence: missense variant.
Genome position (GRCh38, 1-based): chr2:219,283,186, G>A. VCF-style: chr2-219283186-G-A. GRCh37 (hg19) VCF-style: chr2-220147908-G-A.
Other names: c.499G>A, p.Val167Ile (NM_001039550.2); short protein forms V167I.
Identifiers: ClinVar variation 2717379 (VCV002717379.3), dbSNP rs2545032552, ClinGen allele CA350650345.

ClinVar aggregate classification (germline): Uncertain significance (1 of 4 stars; one submission).

Conditions:
Neuronopathy, distal hereditary motor, autosomal recessive 5. Also called: NEUROPATHY, DISTAL HEREDITARY MOTOR, AUTOSOMAL RECESSIVE 5; Young adult-onset distal hereditary motor neuropathy; Spinal muscular atrophy, distal, autosomal recessive, 5. Identifiers: Orphanet 314485, Orphanet 443950, MedGen C4749918, MONDO:0013947, OMIM 614881.

Allele frequency attached by ClinVar (database versions not stated): gnomAD exomes below 0.00001.
gnomAD v4.1: 1 of 1,614,226 alleles (0.000062%); highest among the groups gnomAD compares: East Asian, 0.0022%; no homozygotes.

Submission:

Labcorp Genetics (formerly Invitae), Labcorp
Classification: Uncertain significance for Neuronopathy, distal hereditary motor, autosomal recessive 5. Last evaluated: 2023-09-04. Review status: criteria provided, single submitter. Criteria: Invitae Variant Classification Sherloc (09022015). Collection method: clinical testing. Allele origin: germline.
Comment: Advanced modeling of protein sequence and biophysical properties (such as structural, functional, and spatial information, amino acid conservation, physicochemical variation, residue mobility, and thermodynamic stability) performed at Invitae indicates that this missense variant is not expected to disrupt DNAJB2 protein function. In summary, the available evidence is currently insufficient to determine the role of this variant in disease. Therefore, it has been classified as a Variant of Uncertain Significance. This variant has not been reported in the literature in individuals affected with DNAJB2-related conditions. This variant is not present in population databases (gnomAD no frequency). This sequence change replaces valine, which is neutral and non-polar, with isoleucine, which is neutral and non-polar, at codon 167 of the DNAJB2 protein (p.Val167Ile).